The following is an entry in ClinVar:

ClinVar aggregate classification (germline): Uncertain significance (1 of 4 stars; one submission).

Conditions:
Familial cold autoinflammatory syndrome 2 (FCAS2). Identifiers: Orphanet 247868, MedGen C2673198, MONDO:0012724, OMIM 611762.

Allele frequency attached by ClinVar (database versions not stated): ExAC 0.00002.

Submission:

Labcorp Genetics (formerly Invitae), Labcorp
Classification: Uncertain significance for Familial cold autoinflammatory syndrome 2. Last evaluated: 2022-04-13. Review status: criteria provided, single submitter. Criteria: Invitae Variant Classification Sherloc (09022015). Collection method: clinical testing. Allele origin: germline.
Comment: This variant has not been reported in the literature in individuals affected with NLRP12-related conditions. This variant is present in population databases (rs781341758, gnomAD 0.0009%). This sequence change replaces arginine, which is basic and polar, with leucine, which is neutral and non-polar, at codon 146 of the NLRP12 protein (p.Arg146Leu). Algorithms developed to predict the effect of missense changes on protein structure and function are either unavailable or do not agree on the potential impact of this missense change (SIFT: "Deleterious"; PolyPhen-2: "Probably Damaging"; Align-GVGD: "Class C0"). In summary, the available evidence is currently insufficient to determine the role of this variant in disease. Therefore, it has been classified as a Variant of Uncertain Significance.

NM_144687.4(NLRP12):c.437G>T (p.Arg146Leu)

Gene: NLRP12 (NLR family pyrin domain containing 12; minus strand). Cytogenetic location: 19q13.42.
Variant type: single nucleotide variant.
Coding change: c.437G>T on transcript NM_144687.4 (MANE Select); coding-DNA position 437, G replaced by T.
Protein change: p.Arg146Leu; replaces arginine 146 with leucine.
Molecular consequence: missense variant.
Genome position (GRCh38, 1-based): chr19:53,811,222, C>A on the plus strand (G>T on the coding strand, the complement: NLRP12 is on the minus strand). VCF-style: chr19-53811222-C-A. GRCh37 (hg19) VCF-style: chr19-54314476-C-A.
Other names: c.437G>T, p.Arg146Leu (NM_001277126.2, NM_001277129.1); short protein forms R146L.
Identifiers: ClinVar variation 2107934 (VCV002107934.4), dbSNP rs781341758, ClinGen allele CA9639705.